The following is an entry in ClinVar:

ClinVar aggregate classification (germline): Pathogenic. Review status: reviewed by expert panel (3 of 4 stars). 2 submissions from 2 submitters: Pathogenic (1). 1 of the submissions does not count toward it. Last evaluated 2016-10-18.

Conditions:
Breast-ovarian cancer, familial, susceptibility to, 2 (BROVCA2). Also called: BRCA2 Hereditary Breast and Ovarian Cancer. Identifiers: Orphanet 145, MedGen C2675520, MONDO:0012933, OMIM 612555. Disease mechanism: loss of function.

Submissions (2):

Evidence-based Network for the Interpretation of Germline Mutant Alleles (ENIGMA)
Classification: Pathogenic for Breast-ovarian cancer, familial, susceptibility to, 2. Last evaluated: 2016-10-18. Review status: reviewed by expert panel. Criteria: ENIGMA BRCA1/2 Classification Criteria (2015). Collection method: curation. Allele origin: germline.
Comment: Variant allele predicted to encode a truncated non-functional protein.

Consortium of Investigators of Modifiers of BRCA1/2 (CIMBA), c/o University of Cambridge
Classification: Pathogenic for Breast-ovarian cancer, familial, susceptibility to, 2. Last evaluated: 2015-10-02. Review status: criteria provided, single submitter. Criteria: CIMBA Mutation Classification guidelines May 2016. Collection method: clinical testing. Allele origin: germline. Not counted in ClinVar's aggregate classification.

NM_000059.4(BRCA2):c.7368_7371del (p.Phe2457fs)

Gene: BRCA2 (BRCA2 DNA repair associated; plus strand). Cytogenetic location: 13q13.1.
Variant type: Deletion.
Coding change: c.7368_7371del on transcript NM_000059.4 (MANE Select); coding-DNA positions 7368 to 7371, 4 bases deleted (GTTT; older notation c.7368_7371delGTTT).
Protein change: p.Phe2457fs; shifts the reading frame from phenylalanine 2457.
Molecular consequence: frameshift variant.
Genome position (GRCh38, 1-based): chr13:32,355,221-32,355,224, GTTT deleted. VCF-style (leftmost placement, unchanged base first): chr13-32355220-AGTTT-A. GRCh37 (hg19) VCF-style: chr13-32929357-AGTTT-A.
Other names: 7596_7599delGTTT; short protein forms F2457fs.
Identifiers: ClinVar variation 267005 (VCV000267005.5), dbSNP rs886040703, ClinGen allele CA10589425.
Genomic context (GRCh38, chr13:32,355,220, plus strand): 5'-ACATTGATGGACATGGCTCTGATGATAGTAAAAATAAGATTAATGACAATGAGATTCATC[AGTTT>A]AACAAAAACAACTCCAATCAAGCAGTAGCTGTAACTTTCACAAAGTGTGAAGAAGAACCT-3'